The following is an entry in ClinVar:

ClinVar aggregate classification (germline): Likely benign (1 of 4 stars; one submission).

gnomAD v4.1: 27 of 1,613,892 alleles (0.0017%); highest among the groups gnomAD compares: South Asian, 0.015%; no homozygotes.

Submission:

CeGaT Center for Human Genetics Tuebingen
Classification: Likely benign. Last evaluated: 2025-09-01. Review status: criteria provided, single submitter. Criteria: CeGaT Center For Human Genetics Tuebingen Variant Classification Criteria Version 2. Collection method: clinical testing. Allele origin: germline. Affected: yes. Observed: 1 variant allele.
Comment: SLITRK1: BP4

NM_001281503.2(SLITRK1):c.1137G>A (p.Glu379=)

Gene: SLITRK1 (SLIT and NTRK like family member 1; minus strand). Cytogenetic location: 13q31.1.
Variant type: single nucleotide variant.
Coding change: c.1137G>A on transcript NM_001281503.2 (MANE Select); coding-DNA position 1137, G replaced by A.
Protein change: p.Glu379=; no amino-acid change (glutamic acid 379 retained).
Molecular consequence: synonymous variant.
Genome position (GRCh38, 1-based): chr13:83,880,371, C>T on the plus strand (G>A on the coding strand, the complement: SLITRK1 is on the minus strand). VCF-style: chr13-83880371-C-T. GRCh37 (hg19) VCF-style: chr13-84454506-C-T.
Other names: c.1137G>A, p.Glu379= (NM_052910.2).
Identifiers: ClinVar variation 4281221 (VCV004281221.7).